The following is an entry in ClinVar:

NM_052867.4(NALCN):c.3715G>A (p.Val1239Ile)

Gene: NALCN (sodium leak channel, non-selective; minus strand). Cytogenetic location: 13q32.3.
Variant type: single nucleotide variant.
Coding change: c.3715G>A on transcript NM_052867.4 (MANE Select); coding-DNA position 3715, G replaced by A.
Protein change: p.Val1239Ile; replaces valine 1239 with isoleucine.
Molecular consequence: missense variant.
Genome position (GRCh38, 1-based): chr13:101,082,859, C>T on the plus strand (G>A on the coding strand, the complement: NALCN is on the minus strand). VCF-style: chr13-101082859-C-T. GRCh37 (hg19) VCF-style: chr13-101735210-C-T.
Other names: c.3802G>A, p.Val1268Ile (NM_001350748.2); c.3715G>A, p.Val1239Ile (NM_001350749.2); c.3628G>A, p.Val1210Ile (NM_001350750.2, NM_001350751.2); short protein forms V1210I, V1239I, V1268I.
Identifiers: ClinVar variation 1311772 (VCV001311772.6), dbSNP rs770456318, ClinGen allele CA7035316.
Genomic context (GRCh38, chr13:101,082,859, plus strand): 5'-ATTACAGTACCTCCAGAACAAAGATGAAGGTGAAAACAACTGACATTGTTGCCAAAGGTA[C>T]GGTCACCGGGTCCTCGACGTCCCACTGCAACAGAAACAGCACACGAGTCGTTGCCCACGT-3'
Protein context (NP_443099.1, residues 1229-1249): VKWDVEDPVT[Val1239Ile]PLATMSVVFT

ClinVar aggregate classification (germline): Uncertain significance. Review status: criteria provided, multiple submitters, no conflicts (2 of 4 stars). 3 submissions from 3 submitters: Uncertain significance (3). Last evaluated 2024-06-26.

Conditions:
Inborn genetic diseases. Identifiers: MedGen C0950123, MeSH D030342.

Allele frequency attached by ClinVar (database versions not stated): gnomAD exomes 0.00001; ExAC 0.00002; TOPMed 0.00002.
gnomAD v4.1: 17 of 1,614,056 alleles (0.0011%); highest among the groups gnomAD compares: South Asian, 0.0033%; no homozygotes.

Submissions (3):

Ambry Genetics
Classification: Uncertain significance for Inborn genetic diseases. Last evaluated: 2024-06-26. Review status: criteria provided, single submitter. Criteria: Ambry Variant Classification Scheme 2023. Collection method: clinical testing. Allele origin: germline.

Labcorp Genetics (formerly Invitae), Labcorp
Classification: Uncertain significance. Last evaluated: 2023-07-31. Review status: criteria provided, single submitter. Criteria: Invitae Variant Classification Sherloc (09022015). Collection method: clinical testing. Allele origin: germline.
Comment: ClinVar contains an entry for this variant (Variation ID: 1311772). This variant has not been reported in the literature in individuals affected with NALCN-related conditions. This variant is present in population databases (rs770456318, gnomAD 0.006%). This sequence change replaces valine, which is neutral and non-polar, with isoleucine, which is neutral and non-polar, at codon 1239 of the NALCN protein (p.Val1239Ile). Advanced modeling of protein sequence and biophysical properties (such as structural, functional, and spatial information, amino acid conservation, physicochemical variation, residue mobility, and thermodynamic stability) performed at Invitae indicates that this missense variant is not expected to disrupt NALCN protein function. In summary, the available evidence is currently insufficient to determine the role of this variant in disease. Therefore, it has been classified as a Variant of Uncertain Significance.

GeneDx
Classification: Uncertain significance. Last evaluated: 2020-08-04. Review status: criteria provided, single submitter. Criteria: GeneDx Variant Classification Process June 2021. Collection method: clinical testing. Allele origin: germline. Affected: yes.
Comment: In silico analysis, which includes protein predictors and evolutionary conservation, supports that this variant does not alter protein structure/function; Has not been previously published as pathogenic or benign to our knowledge